The following is an entry in ClinVar:

NM_000016.6(ACADM):c.341A>G (p.Tyr114Cys)

Gene: ACADM (acyl-CoA dehydrogenase medium chain; plus strand). Cytogenetic location: 1p31.1.
Variant type: single nucleotide variant.
Coding change: c.341A>G on transcript NM_000016.6 (MANE Select); coding-DNA position 341, A replaced by G.
Protein change: p.Tyr114Cys; replaces tyrosine 114 with cysteine.
Molecular consequence: missense variant. On other transcripts: intron variant (1).
Genome position (GRCh38, 1-based): chr1:75,733,582, A>G. VCF-style: chr1-75733582-A-G. GRCh37 (hg19) VCF-style: chr1-76199267-A-G.
Other names: c.353A>G, p.Tyr118Cys (NM_001127328.3); c.233A>G, p.Tyr78Cys (NM_001286042.2); c.440A>G, p.Tyr147Cys (NM_001286043.2); c.-100+660A>G (NM_001286044.2); short protein forms Y114C, Y118C, Y147C, Y78C.
Identifiers: ClinVar variation 1803721 (VCV001803721.1), dbSNP rs2525578274, ClinGen allele CA340812267.

ClinVar aggregate classification (germline): Likely pathogenic (1 of 4 stars; one submission).

Conditions:
Medium-chain acyl-coenzyme A dehydrogenase deficiency (ACADMD). Also called: CARNITINE DEFICIENCY SECONDARY TO MEDIUM-CHAIN ACYL-CoA DEHYDROGENASE DEFICIENCY; MCAD Deficiency; Medium chain acyl-CoA dehydrogenase deficiency; MCADD; MCADH DEFICIENCY; ACADM DEFICIENCY. Identifiers: Orphanet 42, MedGen C0220710, MONDO:0008721, OMIM 201450.

gnomAD v4.1: 1 of 1,614,124 alleles (0.000062%); highest among the groups gnomAD compares: Non-Finnish European, 0.000085%; no homozygotes.

Submission:

Department of Human Genetics, Hannover Medical School
Classification: Likely pathogenic for Medium-chain acyl-coenzyme A dehydrogenase deficiency. Review status: criteria provided, single submitter. Criteria: ACMG Guidelines, 2015. Collection method: clinical testing. Allele origin: germline. Inheritance: Autosomal recessive inheritance. Affected: yes.
Comment: The variant is not yet listed in the ClinVar and LOVD variant databases or in the gnomAD population database. This missense variant affects an evolutionarily highly conserved amino acid. There is a large physicochemical difference between the original (tyrosine) and the newly evolved amino acid (cysteine). In silico analysis of this change suggests that it may be a pathogenic variant. In the literature, the variant was reported heterozygously without any other ACADM variant in one child (newborn screening acylcarnitine: C8 0.23 µM, C8/C10 0.99 µM) and its father. Both showed reduced MCAD enzyme activity in lymphocytes of 40.0% and 52.9% of wild type, respectively (PMID: 27856190).

Literature cited by the submitters: PubMed 27856190.